The following is an entry in ClinVar:

NM_000051.4(ATM):c.1453A>G (p.Asn485Asp)

Gene: ATM (ATM serine/threonine kinase; plus strand). Cytogenetic location: 11q22.3.
Variant type: single nucleotide variant.
Coding change: c.1453A>G on transcript NM_000051.4 (MANE Select); coding-DNA position 1453, A replaced by G.
Protein change: p.Asn485Asp; replaces asparagine 485 with aspartic acid.
Molecular consequence: missense variant.
Genome position (GRCh38, 1-based): chr11:108,250,918, A>G. VCF-style: chr11-108250918-A-G. GRCh37 (hg19) VCF-style: chr11-108121645-A-G.
Other names: c.1453A>G, p.Asn485Asp (NM_001351834.2); short protein forms N485D.
Identifiers: ClinVar variation 2845029 (VCV002845029.4), dbSNP rs2497247168, ClinGen allele CA382534121.

ClinVar aggregate classification (germline): Uncertain significance. Review status: criteria provided, multiple submitters, no conflicts (2 of 4 stars). 2 submissions from 2 submitters: Uncertain significance (2). Last evaluated 2025-08-29.

Conditions:
Hereditary cancer-predisposing syndrome. Also called: Hereditary Cancer Syndrome; Hereditary neoplastic syndrome; Neoplastic Syndromes, Hereditary; Tumor predisposition. Identifiers: Orphanet 140162, MedGen C0027672, MeSH D009386, MONDO:0015356.
Ataxia-telangiectasia syndrome (AT). Also called: Cerebello-oculocutaneous telangiectasia; Immunodeficiency with ataxia telangiectasia; Ataxia-telangiectasia, complementation group E; Ataxia-telangiectasia, complementation group D; LOUIS-BAR SYNDROME; AT, COMPLEMENTATION GROUP C. Identifiers: Orphanet 100, MedGen C0004135, MONDO:0008840, OMIM 208900.

Submissions (2):

Ambry Genetics
Classification: Uncertain significance for Hereditary cancer-predisposing syndrome. Last evaluated: 2025-08-29. Review status: criteria provided, single submitter. Criteria: Ambry Variant Classification Scheme 2023. Collection method: clinical testing. Allele origin: germline.
Comment: The p.N485D variant (also known as c.1453A>G), located in coding exon 9 of the ATM gene, results from an A to G substitution at nucleotide position 1453. The asparagine at codon 485 is replaced by aspartic acid, an amino acid with highly similar properties. This amino acid position is conserved. In addition, this alteration is predicted to be tolerated by in silico analysis. Based on the available evidence, the clinical significance of this variant remains unclear.

Labcorp Genetics (formerly Invitae), Labcorp
Classification: Uncertain significance for Ataxia-telangiectasia syndrome. Last evaluated: 2023-03-14. Review status: criteria provided, single submitter. Criteria: Invitae Variant Classification Sherloc (09022015). Collection method: clinical testing. Allele origin: germline.
Comment: In summary, the available evidence is currently insufficient to determine the role of this variant in disease. Therefore, it has been classified as a Variant of Uncertain Significance. An algorithm developed to predict the effect of missense changes on protein structure and function (PolyPhen-2) suggests that this variant is likely to be tolerated. This variant has not been reported in the literature in individuals affected with ATM-related conditions. This variant is not present in population databases (gnomAD no frequency). This sequence change replaces asparagine, which is neutral and polar, with aspartic acid, which is acidic and polar, at codon 485 of the ATM protein (p.Asn485Asp).